The following is an entry in ClinVar:

NM_005359.6(SMAD4):c.805A>T (p.Thr269Ser)

Gene: SMAD4 (SMAD family member 4; plus strand). Cytogenetic location: 18q21.2.
Variant type: single nucleotide variant.
Coding change: c.805A>T on transcript NM_005359.6 (MANE Select); coding-DNA position 805, A replaced by T.
Protein change: p.Thr269Ser; replaces threonine 269 with serine.
Molecular consequence: missense variant. On other transcripts: non-coding transcript variant (2).
Genome position (GRCh38, 1-based): chr18:51,058,357, A>T. VCF-style: chr18-51058357-A-T. GRCh37 (hg19) VCF-style: chr18-48584727-A-T.
Other names: c.805A>T, p.Thr269Ser (NM_001407041.1, NM_001407042.1, NM_001407043.1); short protein forms T269S.
Identifiers: ClinVar variation 4170056 (VCV004170056.1).

ClinVar aggregate classification (germline): Uncertain significance (1 of 4 stars; one submission).

Conditions:
Familial thoracic aortic aneurysm and aortic dissection (TAAD). Also called: Thoracic aortic aneurysms and dissections. Identifiers: Orphanet 91387, MedGen C4707243, MONDO:0019625.
Hereditary cancer-predisposing syndrome. Also called: Neoplastic Syndromes, Hereditary; Tumor predisposition; Hereditary Cancer Syndrome; Hereditary neoplastic syndrome. Identifiers: Orphanet 140162, MedGen C0027672, MeSH D009386, MONDO:0015356.

Submission:

Ambry Genetics
Classification: Uncertain significance for Hereditary cancer-predisposing syndrome; Familial thoracic aortic aneurysm and aortic dissection. Last evaluated: 2025-09-10. Review status: criteria provided, single submitter. Criteria: Ambry Variant Classification Scheme 2023. Collection method: clinical testing. Allele origin: germline.
Comment: The p.T269S variant (also known as c.805A>T), located in coding exon 6 of the SMAD4 gene, results from an A to T substitution at nucleotide position 805. The threonine at codon 269 is replaced by serine, an amino acid with similar properties. This amino acid position is conserved. In addition, this alteration is predicted to be tolerated by in silico analysis. Based on the available evidence, the clinical significance of this variant remains unclear.